The following is an entry in ClinVar:

ClinVar aggregate classification (germline): Conflicting classifications of pathogenicity. Review status: criteria provided, conflicting classifications (1 of 4 stars). 2 submissions from 2 submitters: Likely pathogenic (1); Uncertain significance (1). Last evaluated 2025-12-31.

Conditions:
Epidermolysis bullosa dystrophica. Also called: Dystrophic epidermolysis bullosa, Hallopeau-Siemens type (formerly); Dystrophic epidermolysis bullosa. Identifiers: Orphanet 303, MedGen C0079294, MONDO:0006543.
Generalized dominant dystrophic epidermolysis bullosa (DDEB). Also called: Dominant DEB (DDEB); DDEB, generalized; DDEB-gen; DYSTROPHIC EPIDERMOLYSIS BULLOSA, AUTOSOMAL DOMINANT; Epidermolysis bullosa dystrophica, autosomal dominant. Identifiers: Orphanet 231568, MedGen C0432322, MONDO:0007549, OMIM 131750.

Submissions (2):

Natera, Inc.
Classification: Likely pathogenic for Dystrophic epidermolysis bullosa. Last evaluated: 2025-12-31. Review status: criteria provided, single submitter. Criteria: Natera Variant Classification Schema (03/2026). Collection method: clinical testing. Allele origin: germline.
Comment: The c.7976G>A variant in COL7A1 is a missense variant predicted to cause substitution of glycine to glutamic acid at amino acid 2659. This variant is rare in the general population with a frequency below the threshold expected for the associated phenotype(s). This variant has been observed in one or more individuals affected with the associated recessive disease, as either homozygous or compound heterozygous with a second variant (PMID: 37556444). This variant has been observed in affected individual(s) with monoallelic occurrence (heterozygous/hemizygous) (PMID: 37067131, 37556444). Computational prediction algorithms indicate this variant is likely to affect gene or protein function. Given the available evidence, this variant is classified as Likely Pathogenic.

Neuberg Centre For Genomic Medicine, NCGM
Classification: Uncertain significance for Generalized dominant dystrophic epidermolysis bullosa. Review status: criteria provided, single submitter. Criteria: ACMG Guidelines, 2015. Collection method: clinical testing. Allele origin: germline. Affected: yes.
Comment: The p.G2659E variant is novel (not in any individuals) in gnomAD Exomes and is novel (not in any individuals) in 1000 Genomes. The p.G2659E missense variant is predicted to be damaging by both SIFT and PolyPhen2. The glycine residue at codon 2659 of COL7A1 is conserved in all mammalian species. The nucleotide c.7976 in COL7A1 is predicted conserved by GERP++ and PhyloP across 100 vertebrates. For these reasons, this variant has been classified as Uncertain Significance.

Literature cited by the submitters: PubMed 37556444 (cited by Natera, Inc.); PubMed 37067131 (cited by Natera, Inc.).

NM_000094.4(COL7A1):c.7976G>A (p.Gly2659Glu)

Gene: COL7A1 (collagen type VII alpha 1 chain; minus strand). Cytogenetic location: 3p21.31.
Variant type: single nucleotide variant.
Coding change: c.7976G>A on transcript NM_000094.4 (MANE Select); coding-DNA position 7976, G replaced by A.
Protein change: p.Gly2659Glu; replaces glycine 2659 with glutamic acid.
Molecular consequence: missense variant.
Genome position (GRCh38, 1-based): chr3:48,567,717, C>T on the plus strand (G>A on the coding strand, the complement: COL7A1 is on the minus strand). VCF-style: chr3-48567717-C-T. GRCh37 (hg19) VCF-style: chr3-48605150-C-T.
Other names: c.7976G>A (NM_000094.3); short protein forms G2659E.
Identifiers: ClinVar variation 1338972 (VCV001338972.3), dbSNP rs2107635651, ClinGen allele CA352641231.